The following is an entry in ClinVar:

ClinVar aggregate classification (germline): Uncertain significance. Review status: criteria provided, multiple submitters, no conflicts (2 of 4 stars). 2 submissions from 2 submitters: Uncertain significance (2). Last evaluated 2026-01-06.

Conditions:
Neutropenia, severe congenital, 2, autosomal dominant. Identifiers: Orphanet 486, MedGen C2751288, MONDO:0013139, OMIM 613107.

gnomAD v4.1: 3 of 1,551,860 alleles (0.00019%); highest among the groups gnomAD compares: East Asian, 0.0024%; no homozygotes.

Submissions (2):

Labcorp Genetics (formerly Invitae), Labcorp
Classification: Uncertain significance for Neutropenia, severe congenital, 2, autosomal dominant. Last evaluated: 2026-01-06. Review status: criteria provided, single submitter. Criteria: Invitae Variant Classification Sherloc (09022015). Collection method: clinical testing. Allele origin: germline.
Comment: This sequence change replaces alanine, which is neutral and non-polar, with serine, which is neutral and polar, at codon 158 of the GFI1 protein (p.Ala158Ser). The frequency data for this variant in the population databases is considered unreliable, as metrics indicate poor data quality at this position in the gnomAD database. This variant has not been reported in the literature in individuals affected with GFI1-related conditions. ClinVar contains an entry for this variant (Variation ID: 4263202). Invitae Evidence Modeling of protein sequence and biophysical properties (such as structural, functional, and spatial information, amino acid conservation, physicochemical variation, residue mobility, and thermodynamic stability) indicates that this missense variant is not expected to disrupt GFI1 protein function with a negative predictive value of 80%. In summary, the available evidence is currently insufficient to determine the role of this variant in disease. Therefore, it has been classified as a Variant of Uncertain Significance.

Ambry Genetics
Classification: Uncertain significance. Last evaluated: 2025-07-17. Review status: criteria provided, single submitter. Criteria: Ambry Variant Classification Scheme 2023. Collection method: clinical testing. Allele origin: germline.
Comment: The p.A158S variant (also known as c.472G>T), located in coding exon 3 of the GFI1 gene, results from a G to T substitution at nucleotide position 472. The alanine at codon 158 is replaced by serine, an amino acid with similar properties. This amino acid position is conserved. In addition, this alteration is predicted to be tolerated by in silico analysis. Based on the available evidence, the clinical significance of this variant remains unclear.

NM_005263.5(GFI1):c.472G>T (p.Ala158Ser)

Gene: GFI1 (growth factor independent 1 transcriptional repressor; minus strand). Cytogenetic location: 1p22.1.
Variant type: single nucleotide variant.
Coding change: c.472G>T on transcript NM_005263.5 (MANE Select); coding-DNA position 472, G replaced by T.
Protein change: p.Ala158Ser; replaces alanine 158 with serine.
Molecular consequence: missense variant.
Genome position (GRCh38, 1-based): chr1:92,480,915, C>A on the plus strand (G>T on the coding strand, the complement: GFI1 is on the minus strand). VCF-style: chr1-92480915-C-A. GRCh37 (hg19) VCF-style: chr1-92946472-C-A.
Other names: c.472G>T, p.Ala158Ser (NM_001127215.3, NM_001127216.3); short protein forms A158S.
Identifiers: ClinVar variation 4263202 (VCV004263202.2).